The following is an entry in ClinVar:

NM_005896.4(IDH1):c.211G>A (p.Val71Ile)

Gene: IDH1 (isocitrate dehydrogenase (NADP(+)) 1; minus strand). Cytogenetic location: 2q34.
Variant type: single nucleotide variant.
Coding change: c.211G>A on transcript NM_005896.4 (MANE Select); coding-DNA position 211, G replaced by A.
Protein change: p.Val71Ile; replaces valine 71 with isoleucine.
Molecular consequence: missense variant.
Genome position (GRCh38, 1-based): chr2:208,248,572, C>T on the plus strand (G>A on the coding strand, the complement: IDH1 is on the minus strand). VCF-style: chr2-208248572-C-T. GRCh37 (hg19) VCF-style: chr2-209113296-C-T.
Other names: c.211G>A, p.Val71Ile (NM_001282386.1, NM_001282387.1); short protein forms V71I.
Identifiers: ClinVar variation 134516 (VCV000134516.7), dbSNP rs73070954, ClinGen allele CA160035.

ClinVar aggregate classification (germline): Benign. Review status: criteria provided, multiple submitters, no conflicts (2 of 4 stars). 4 submissions from 4 submitters: Benign (3). 1 of the submissions does not count toward it. Last evaluated 2026-08-01.

Allele frequency attached by ClinVar (database versions not stated): TOPMed 0.01497; 1000 Genomes Project 0.01558; 1000 Genomes Project 30x 0.01686; gnomAD exomes 0.00141 and 0.00347; ExAC 0.00421; gnomAD 0.01337 and 0.01450; ESP Exome Variant Server 0.01484.
gnomAD v4.1: 4,187 of 1,614,100 alleles (0.26%); highest among the groups gnomAD compares: African/African-American, 4.5%; 87 homozygotes.

Submissions (4):

CeGaT Center for Human Genetics Tuebingen
Classification: Benign. Last evaluated: 2026-08-01. Review status: criteria provided, single submitter. Criteria: CeGaT Center For Human Genetics Tuebingen Variant Classification Criteria Version 2. Collection method: clinical testing. Allele origin: germline. Affected: yes. Observed: 1 variant allele.
Comment: IDH1: BP4, BS1, BS2

Labcorp Genetics (formerly Invitae), Labcorp
Classification: Benign. Last evaluated: 2019-12-31. Review status: criteria provided, single submitter. Criteria: Invitae Variant Classification Sherloc (09022015). Collection method: clinical testing. Allele origin: germline.

Breakthrough Genomics
Classification: Benign. Review status: criteria provided, single submitter. Criteria: ACMG Guidelines, 2015. Collection method: not provided. Allele origin: germline. Inheritance: Autosomal dominant inheritance. Affected: yes.

ITMI
No classification provided. Condition: AllHighlyPenetrant. Last evaluated: 2013-09-19. Review status: no classification provided. Collection method: reference population. Allele origin: germline. Not counted in ClinVar's aggregate classification.
Comment: Please see associated publication for description of ethnicities

Literature cited by the submitters: PubMed 24728327 (cited by ITMI).